The following is an entry in ClinVar:

ClinVar aggregate classification (germline): Uncertain significance (1 of 4 stars; one submission).

Conditions:
Idiopathic Pulmonary Fibrosis. Also called: Idiopathic fibrosing alveolitis, chronic form; idiopathic fibrosing alveolitis. Identifiers: Orphanet 2032, MedGen C1800706, MeSH D054990, MONDO:0800504.
Dyskeratosis congenita, autosomal dominant 2. Identifiers: MedGen C3151443, MONDO:0013521, OMIM 613989.

gnomAD v4.1: 1 of 1,614,198 alleles (0.000062%); highest among the groups gnomAD compares: Non-Finnish European, 0.000085%; no homozygotes.

Submission:

Labcorp Genetics (formerly Invitae), Labcorp
Classification: Uncertain significance for Dyskeratosis congenita, autosomal dominant 2; Idiopathic Pulmonary Fibrosis. Last evaluated: 2022-08-09. Review status: criteria provided, single submitter. Criteria: Invitae Variant Classification Sherloc (09022015). Collection method: clinical testing. Allele origin: germline.
Comment: This sequence change replaces histidine, which is basic and polar, with leucine, which is neutral and non-polar, at codon 1022 of the TERT protein (p.His1022Leu). This variant has not been reported in the literature in individuals affected with TERT-related conditions. This variant is not present in population databases (gnomAD no frequency). ClinVar contains an entry for this variant (Variation ID: 242236). Algorithms developed to predict the effect of missense changes on protein structure and function are either unavailable or do not agree on the potential impact of this missense change (SIFT: "Deleterious"; PolyPhen-2: "Benign"; Align-GVGD: "Class C0"). In summary, the available evidence is currently insufficient to determine the role of this variant in disease. Therefore, it has been classified as a Variant of Uncertain Significance.

NM_198253.3(TERT):c.3065A>T (p.His1022Leu)

Gene: TERT (telomerase reverse transcriptase; minus strand). Cytogenetic location: 5p15.33.
Variant type: single nucleotide variant.
Coding change: c.3065A>T on transcript NM_198253.3 (MANE Select); coding-DNA position 3065, A replaced by T.
Protein change: p.His1022Leu; replaces histidine 1022 with leucine.
Molecular consequence: missense variant. On other transcripts: non-coding transcript variant (2).
Genome position (GRCh38, 1-based): chr5:1,255,379, T>A on the plus strand (A>T on the coding strand, the complement: TERT is on the minus strand). VCF-style: chr5-1255379-T-A. GRCh37 (hg19) VCF-style: chr5-1255494-T-A.
Other names: c.2876A>T, p.His959Leu (NM_001193376.3); short protein forms H1022L, H959L.
Identifiers: ClinVar variation 242236 (VCV000242236.9), dbSNP rs878855304, ClinGen allele CA10582349.